The following is an entry in ClinVar:

ClinVar aggregate classification (germline): Conflicting classifications of pathogenicity. Review status: criteria provided, conflicting classifications (1 of 4 stars). 2 submissions from 2 submitters: Uncertain significance (1); Likely benign (1). Last evaluated 2023-01-11.

Allele frequency attached by ClinVar (database versions not stated): gnomAD exomes 0.00001; ExAC 0.00002; ESP Exome Variant Server 0.00008; gnomAD 0.00009; TOPMed 0.00015; 1000 Genomes Project 30x 0.00016; 1000 Genomes Project 0.00020.
gnomAD v4.1: 26 of 1,614,178 alleles (0.0016%); highest among the groups gnomAD compares: African/African-American, 0.025%; no homozygotes.

Submissions (2):

Ambry Genetics
Classification: Likely benign. Last evaluated: 2023-01-11. Review status: criteria provided, single submitter. Criteria: Ambry Variant Classification Scheme 2023. Collection method: clinical testing. Allele origin: germline.

Labcorp Genetics (formerly Invitae), Labcorp
Classification: Uncertain significance. Last evaluated: 2022-06-20. Review status: criteria provided, single submitter. Criteria: Invitae Variant Classification Sherloc (09022015). Collection method: clinical testing. Allele origin: germline.
Comment: This variant has not been reported in the literature in individuals affected with NUP160-related conditions. In summary, the available evidence is currently insufficient to determine the role of this variant in disease. Therefore, it has been classified as a Variant of Uncertain Significance. Algorithms developed to predict the effect of missense changes on protein structure and function output the following: SIFT: "Not Available"; PolyPhen-2: "Benign"; Align-GVGD: "Not Available". The valine amino acid residue is found in multiple mammalian species, which suggests that this missense change does not adversely affect protein function. This variant is present in population databases (rs202237054, gnomAD 0.02%). This sequence change replaces isoleucine, which is neutral and non-polar, with valine, which is neutral and non-polar, at codon 699 of the NUP160 protein (p.Ile699Val).

NM_015231.3(NUP160):c.1993A>G (p.Ile665Val)

Gene: NUP160 (nucleoporin 160; minus strand). Cytogenetic location: 11p11.2.
Variant type: single nucleotide variant.
Coding change: c.1993A>G on transcript NM_015231.3 (MANE Select); coding-DNA position 1993, A replaced by G.
Protein change: p.Ile665Val; replaces isoleucine 665 with valine.
Molecular consequence: missense variant. On other transcripts: non-coding transcript variant (1).
Genome position (GRCh38, 1-based): chr11:47,812,210, T>C on the plus strand (A>G on the coding strand, the complement: NUP160 is on the minus strand). VCF-style: chr11-47812210-T-C. GRCh37 (hg19) VCF-style: chr11-47833762-T-C.
Other names: c.2095A>G (NM_015231.1); short protein forms I665V.
Identifiers: ClinVar variation 2184802 (VCV002184802.6), dbSNP rs202237054, ClinGen allele CA5981123.
Genomic context (GRCh38, chr11:47,812,210, plus strand): 5'-CTCTGCACACAATATACCCTGCTGTGTTACTACCATAGAGCTGGGTAAGATTCATTCGAA[T>C]ATTCAAAGGCTGAGCTGTAAAAAGAAGAAAAATGGAGTTGAATGCATCATTGTTTTAATC-3'
Protein context (NP_056046.2, residues 655-675): KGFNPAQPLN[Ile665Val]RMNLTQLYGS